The following is an entry in ClinVar:

NM_000330.4(RS1):c.337C>T (p.Leu113Phe)

Genes: CDKL5 (cyclin dependent kinase like 5; plus strand), RS1 (retinoschisin 1; minus strand). Cytogenetic location: Xp22.13.
Variant type: single nucleotide variant.
Coding change: c.337C>T on transcript NM_000330.4 (MANE Select); coding-DNA position 337, C replaced by T.
Protein change: p.Leu113Phe; replaces leucine 113 with phenylalanine.
Molecular consequence: missense variant. On other transcripts: intron variant (2).
Genome position (GRCh38, 1-based): chrX:18,644,615, G>A on the plus strand (C>T on the coding strand, the complement: RS1 is on the minus strand). VCF-style: chrX-18644615-G-A. GRCh37 (hg19) VCF-style: chrX-18662735-G-A.
Other names: NM_000330.4(RS1):c.337C>T; c.2714-1392G>A (NM_003159.3, NM_001037343.2); short protein forms L113F.
Identifiers: ClinVar variation 98943 (VCV000098943.11), dbSNP rs61752145, ClinGen allele CA226697.

ClinVar aggregate classification (germline): Likely pathogenic. Review status: reviewed by expert panel (3 of 4 stars). 5 submissions from 5 submitters: Likely pathogenic (1). 4 of the submissions do not count toward it. Last evaluated 2025-05-19.

Conditions:
RS1-related disorder. Also called: RS1-related condition.
Retinal dystrophy. Also called: Inherited retinal dystrophy. Identifiers: Orphanet 71862, MedGen C0854723, MeSH D058499, MONDO:0019118, HP:0000556.
Juvenile retinoschisis (RS1). Also called: X-Linked Juvenile Retinoschisis; X-linked retinoschisis. Identifiers: Orphanet 792, MedGen C3714753, MONDO:0010725, OMIM 312700.

Submissions (5):

ClinGen X-linked Inherited Retinal Disease Variant Curation Expert Panel, ClinGen
Classification: Likely pathogenic for Juvenile retinoschisis. Last evaluated: 2025-05-19. Review status: reviewed by expert panel. Criteria: ClinGen X LinkedIRD ACMG Specifications RS1 V1.0.0. Collection method: curation. Allele origin: germline. Inheritance: X-linked inheritance.
Comment: The NM_000330.4(RS1):c.337C>T variant is a missense variant encoding the substitution of Leucine with Phenylalanine at amino acid 113. This variant is absent from hemizygous individuals in gnomAD v4.1.0 (PM2_Supporting). The computational predictor REVEL gives a score of 0.874, which is within the ClinGen X-linked IRD VCEP range between 0.931 to 0.773 and predicts a damaging effect on RS1 function (PP3_moderate). The computational splicing predictor SpliceAI gives a delta score of 0.02 for acceptor gain, which is below the ClinGen X-linked IRD VCEP threshold of >0.2 and does not predict that the variant disrupts RS1 splicing. HEK293 cells exogenously expressing the variant exhibit loss of RS1 secretion into the medium relative to the wild-type control (PMID: 30040949, 16361673, PS3_Supporting). This variant has been reported in at least 5 apparently unrelated probands meeting the PS4 requirements of a male diagnosed with X-linked retinoschisis (PMIDs: 11738458, 34645606, 34822951, 28348004, 9618178, 39462066, DOI 10.1134/S1022795421070139, PS4). In summary, this variant is classified as likely pathogenic for X-linked retinoschisis based on the ClinGen X-linked Inherited Retinal Disease Expert Panel Specifications to the ACMG/AMP Variant Interpretation Guidelines for RS1 Version 1.0.0: PM2_supporting, PP3_moderate, PS3_supporting, PS4 (date of approval 01/24/2025).

Labcorp Genetics (formerly Invitae), Labcorp
Classification: Pathogenic. Last evaluated: 2023-07-12. Review status: criteria provided, single submitter. Criteria: Invitae Variant Classification Sherloc (09022015). Collection method: clinical testing. Allele origin: germline. Not counted in ClinVar's aggregate classification.
Comment: Advanced modeling of protein sequence and biophysical properties (such as structural, functional, and spatial information, amino acid conservation, physicochemical variation, residue mobility, and thermodynamic stability) performed at Invitae indicates that this missense variant is expected to disrupt RS1 protein function. This sequence change replaces leucine, which is neutral and non-polar, with phenylalanine, which is neutral and non-polar, at codon 113 of the RS1 protein (p.Leu113Phe). This variant is not present in population databases (gnomAD no frequency). This missense change has been observed in individual(s) with retinoschisis (PMID: 9618178; Invitae). This variant is also known as Leu113Phe in XLRS1. ClinVar contains an entry for this variant (Variation ID: 98943). Experimental studies have shown that this missense change affects RS1 function (PMID: 16361673). For these reasons, this variant has been classified as Pathogenic.

Blueprint Genetics
Classification: Likely pathogenic for RS1-related disorders. Last evaluated: 2019-07-03. Review status: criteria provided, single submitter. Criteria: ACMG Guidelines, 2015. Collection method: clinical testing. Allele origin: germline. Affected: yes. Observed: 2 variant alleles. Not counted in ClinVar's aggregate classification.

Institute of Human Genetics, Univ. Regensburg, Univ. Regensburg
Classification: Pathogenic for Retinal dystrophy. Last evaluated: 2014-01-01. Review status: criteria provided, single submitter. Criteria: ACMG Guidelines, 2015. Collection method: clinical testing. Allele origin: germline. Affected: yes. Not counted in ClinVar's aggregate classification.

Retina International
No classification provided. Review status: no classification provided. Collection method: not provided. Allele origin: unknown. Not counted in ClinVar's aggregate classification.

Literature cited by the submitters: PubMed 9618178 (cited by Labcorp Genetics (formerly Invitae), Labcorp and Institute of Human Genetics, Univ. Regensburg, Univ. Regensburg); PubMed 16361673 (cited by Labcorp Genetics (formerly Invitae), Labcorp and Institute of Human Genetics, Univ. Regensburg, Univ. Regensburg); PubMed 27170513 (cited by Institute of Human Genetics, Univ. Regensburg, Univ. Regensburg); PubMed 35456481 (cited by Institute of Human Genetics, Univ. Regensburg, Univ. Regensburg); PubMed 34822951 (cited by Institute of Human Genetics, Univ. Regensburg, Univ. Regensburg); PubMed 34645606 (cited by Institute of Human Genetics, Univ. Regensburg, Univ. Regensburg).